The following is an entry in ClinVar:

ClinVar aggregate classification (germline): Uncertain significance (1 of 4 stars; one submission).

gnomAD v4.1: 4 of 1,614,196 alleles (0.00025%); highest among the groups gnomAD compares: African/African-American, 0.0013%; no homozygotes.

Submission:

CeGaT Center for Human Genetics Tuebingen
Classification: Uncertain significance. Last evaluated: 2025-10-01. Review status: criteria provided, single submitter. Criteria: CeGaT Center For Human Genetics Tuebingen Variant Classification Criteria Version 2. Collection method: clinical testing. Allele origin: germline. Affected: yes. Observed: 1 variant allele.
Comment: MLIP: PM2, BP4

NM_001281747.2(MLIP):c.529A>G (p.Ile177Val)

Genes: MLIP (muscular LMNA interacting protein; plus strand), LOC126859697 (CDK7 strongly-dependent group 2 enhancer GRCh37_chr6:53989184-53990383; plus strand). Cytogenetic location: 6p12.1.
Variant type: single nucleotide variant.
Coding change: c.529A>G on transcript NM_001281747.2 (MANE Select); coding-DNA position 529, A replaced by G.
Protein change: p.Ile177Val; replaces isoleucine 177 with valine.
Molecular consequence: missense variant.
Genome position (GRCh38, 1-based): chr6:54,124,749, A>G. VCF-style: chr6-54124749-A-G. GRCh37 (hg19) VCF-style: chr6-53989547-A-G.
Other names: c.496A>G, p.Ile166Val (NM_001281746.2, NM_138569.3); short protein forms I166V, I177V.
Identifiers: ClinVar variation 4533971 (VCV004533971.6).
Genomic context (GRCh38, chr6:54,124,749, plus strand): 5'-GTTGAACAAGGCCCCCCAGGGGGGATTGGCACCGCAGCTGTCCGGCCCAAGTCTCTAGCT[A>G]TCTCGTCCAGTCTGGTCTCTGATGTAGTGCGTCCCAAAACACAGGGGACTGATCTCAAGA-3'
Protein context (NP_001268676.1, residues 167-187): TAAVRPKSLA[Ile177Val]SSSLVSDVVR